The following is an entry in ClinVar:

ClinVar aggregate classification (germline): Uncertain significance (1 of 4 stars; one submission).

Conditions:
Familial cold autoinflammatory syndrome 3 (FCAS3). Also called: FAMILIAL ATYPICAL COLD URTICARIA; ANTIBODY DEFICIENCY AND IMMUNE DYSREGULATION, PLCG2-ASSOCIATED. Identifiers: Orphanet 300359, MedGen C3280914, MONDO:0013766, OMIM 614468.

gnomAD v4.1: 1 of 1,614,122 alleles (0.000062%); highest among the groups gnomAD compares: Non-Finnish European, 0.000085%; no homozygotes.

Submission:

Labcorp Genetics (formerly Invitae), Labcorp
Classification: Uncertain significance for Familial cold autoinflammatory syndrome 3. Last evaluated: 2024-10-29. Review status: criteria provided, single submitter. Criteria: Invitae Variant Classification Sherloc (09022015). Collection method: clinical testing. Allele origin: germline.
Comment: This sequence change replaces tryptophan, which is neutral and slightly polar, with leucine, which is neutral and non-polar, at codon 532 of the PLCG2 protein (p.Trp532Leu). This variant is not present in population databases (gnomAD no frequency). This variant has not been reported in the literature in individuals affected with PLCG2-related conditions. An algorithm developed to predict the effect of missense changes on protein structure and function (PolyPhen-2) suggests that this variant is likely to be disruptive. In summary, the available evidence is currently insufficient to determine the role of this variant in disease. Therefore, it has been classified as a Variant of Uncertain Significance.

NM_002661.5(PLCG2):c.1595G>T (p.Trp532Leu)

Gene: PLCG2 (phospholipase C gamma 2; plus strand). Cytogenetic location: 16q23.3.
Variant type: single nucleotide variant.
Coding change: c.1595G>T on transcript NM_002661.5 (MANE Select); coding-DNA position 1595, G replaced by T.
Protein change: p.Trp532Leu; replaces tryptophan 532 with leucine.
Molecular consequence: missense variant.
Genome position (GRCh38, 1-based): chr16:81,908,453, G>T. VCF-style: chr16-81908453-G-T. GRCh37 (hg19) VCF-style: chr16-81942058-G-T.
Other names: c.1595G>T, p.Trp532Leu (NM_001425749.1, NM_001425750.1, NM_001425751.1); short protein forms W532L.
Identifiers: ClinVar variation 3632708 (VCV003632708.2).